The following is an entry in ClinVar:

NM_016169.4(SUFU):c.65C>T (p.Ala22Val)

Genes: SUFU (SUFU negative regulator of hedgehog signaling; plus strand), LOC130004614 (ATAC-STARR-seq lymphoblastoid silent region 2764; plus strand). Cytogenetic location: 10q24.32.
Variant type: single nucleotide variant.
Coding change: c.65C>T on transcript NM_016169.4 (MANE Select); coding-DNA position 65, C replaced by T.
Protein change: p.Ala22Val; replaces alanine 22 with valine.
Molecular consequence: missense variant.
Genome position (GRCh38, 1-based): chr10:102,504,217, C>T. VCF-style: chr10-102504217-C-T. GRCh37 (hg19) VCF-style: chr10-104263974-C-T.
Other names: c.65C>T, p.Ala22Val (NM_001178133.2); short protein forms A22V.
Identifiers: ClinVar variation 642318 (VCV000642318.10), dbSNP rs761240106, ClinGen allele CA212238105.

ClinVar aggregate classification (germline): Uncertain significance. Review status: criteria provided, multiple submitters, no conflicts (2 of 4 stars). 2 submissions from 2 submitters: Uncertain significance (2). Last evaluated 2024-03-08.

Conditions:
Hereditary cancer-predisposing syndrome. Also called: Neoplastic Syndromes, Hereditary; Hereditary Cancer Syndrome; Hereditary neoplastic syndrome; Tumor predisposition. Identifiers: Orphanet 140162, MedGen C0027672, MeSH D009386, MONDO:0015356.
Gorlin syndrome. Also called: Basal cell nevus syndrome; Nevoid Basal Cell Carcinoma Syndrome. Identifiers: Orphanet 377, MedGen C0004779, MONDO:0007187.
Medulloblastoma (MDB). Also called: MEDULLOBLASTOMA PREDISPOSITION SYNDROME; Medulloblastoma, somatic. Identifiers: Orphanet 616, MedGen C0025149, MeSH D008527, MONDO:0007959, OMIM 155255, HP:0002885.

gnomAD v4.1: 4 of 1,605,602 alleles (0.00025%); highest among the groups gnomAD compares: East Asian, 0.0022%; no homozygotes.

Submissions (2):

Ambry Genetics
Classification: Uncertain significance for Hereditary cancer-predisposing syndrome. Last evaluated: 2024-03-08. Review status: criteria provided, single submitter. Criteria: Ambry Variant Classification Scheme 2023. Collection method: clinical testing. Allele origin: germline.
Comment: The p.A22V variant (also known as c.65C>T), located in coding exon 1 of the SUFU gene, results from a C to T substitution at nucleotide position 65. The alanine at codon 22 is replaced by valine, an amino acid with similar properties. This amino acid position is conserved. In addition, the in silico prediction for this alteration is inconclusive. Based on the available evidence, the clinical significance of this alteration remains unclear.

Labcorp Genetics (formerly Invitae), Labcorp
Classification: Uncertain significance for Gorlin syndrome; Medulloblastoma. Last evaluated: 2023-06-24. Review status: criteria provided, single submitter. Criteria: Invitae Variant Classification Sherloc (09022015). Collection method: clinical testing. Allele origin: germline.
Comment: This sequence change replaces alanine, which is neutral and non-polar, with valine, which is neutral and non-polar, at codon 22 of the SUFU protein (p.Ala22Val). In summary, the available evidence is currently insufficient to determine the role of this variant in disease. Therefore, it has been classified as a Variant of Uncertain Significance. An algorithm developed to predict the effect of missense changes on protein structure and function (PolyPhen-2) suggests that this variant is likely to be disruptive. ClinVar contains an entry for this variant (Variation ID: 642318). This variant has not been reported in the literature in individuals affected with SUFU-related conditions. This variant is not present in population databases (gnomAD no frequency).